The following is an entry in ClinVar:

ClinVar aggregate classification (germline): Uncertain significance. Review status: criteria provided, multiple submitters, no conflicts (2 of 4 stars). 4 submissions from 4 submitters: Uncertain significance (4). Last evaluated 2025-11-01.

Conditions:
Autism spectrum disorder due to AUTS2 deficiency (MRD26). Also called: INTELLECTUAL DEVELOPMENTAL DISORDER, AUTOSOMAL DOMINANT 26. Identifiers: Orphanet 352490, MedGen C4014435, MONDO:0014361, OMIM 615834.

Allele frequency attached by ClinVar (database versions not stated): gnomAD exomes below 0.00001 and 0.00001; gnomAD 0.00001; TOPMed 0.00002.
gnomAD v4.1: 21 of 1,614,000 alleles (0.0013%); highest among the groups gnomAD compares: South Asian, 0.0033%; no homozygotes.

Submissions (4):

CeGaT Center for Human Genetics Tuebingen
Classification: Uncertain significance. Last evaluated: 2025-11-01. Review status: criteria provided, single submitter. Criteria: CeGaT Center For Human Genetics Tuebingen Variant Classification Criteria Version 2. Collection method: clinical testing. Allele origin: germline. Affected: yes. Observed: 1 variant allele.

Women's Health and Genetics/Laboratory Corporation of America, LabCorp
Classification: Uncertain significance. Last evaluated: 2025-05-08. Review status: criteria provided, single submitter. Criteria: LabCorp Variant Classification Summary - May 2015. Collection method: clinical testing. Allele origin: germline.
Comment: Variant summary: AUTS2 c.1852G>A (p.Ala618Thr) results in a non-conservative amino acid change in the encoded protein sequence. Algorithms developed to predict the effect of missense changes on protein structure and function are either unavailable or do not agree on the potential impact of this missense change. The variant allele was found at a frequency of 4e-06 in 251464 control chromosomes. The available data on variant occurrences in the general population are insufficient to allow any conclusion about variant significance. To our knowledge, no occurrence of c.1852G>A in individuals affected with Autism Spectrum Disorder Due To AUTS2 Deficiency and no experimental evidence demonstrating its impact on protein function have been reported. ClinVar contains an entry for this variant (Variation ID: 1098602). Based on the evidence outlined above, the variant was classified as uncertain significance.

Labcorp Genetics (formerly Invitae), Labcorp
Classification: Uncertain significance. Last evaluated: 2024-10-07. Review status: criteria provided, single submitter. Criteria: Invitae Variant Classification Sherloc (09022015). Collection method: clinical testing. Allele origin: germline.
Comment: This sequence change replaces alanine, which is neutral and non-polar, with threonine, which is neutral and polar, at codon 618 of the AUTS2 protein (p.Ala618Thr). This variant is present in population databases (no rsID available, gnomAD 0.005%). This variant has not been reported in the literature in individuals affected with AUTS2-related conditions. ClinVar contains an entry for this variant (Variation ID: 1098602). An algorithm developed to predict the effect of missense changes on protein structure and function (PolyPhen-2) suggests that this variant is likely to be tolerated. In summary, the available evidence is currently insufficient to determine the role of this variant in disease. Therefore, it has been classified as a Variant of Uncertain Significance.

New York Genome Center
Classification: Uncertain significance for Autism spectrum disorder due to AUTS2 deficiency. Last evaluated: 2020-06-02. Review status: criteria provided, single submitter. Criteria: NYGC Assertion Criteria 2020. Collection method: clinical testing. Allele origin: inherited. Observed: 1 heterozygote. Study: CSER-NYCKidSeq.

NM_015570.4(AUTS2):c.1852G>A (p.Ala618Thr)

Gene: AUTS2 (activator of transcription and developmental regulator AUTS2; plus strand). Cytogenetic location: 7q11.22.
Variant type: single nucleotide variant.
Coding change: c.1852G>A on transcript NM_015570.4 (MANE Select); coding-DNA position 1852, G replaced by A.
Protein change: p.Ala618Thr; replaces alanine 618 with threonine.
Molecular consequence: missense variant. On other transcripts: intron variant (1).
Genome position (GRCh38, 1-based): chr7:70,774,049, G>A. VCF-style: chr7-70774049-G-A. GRCh37 (hg19) VCF-style: chr7-70239035-G-A.
Other names: c.1831-1308G>A (NM_001127231.3); short protein forms A618T.
Identifiers: ClinVar variation 1098602 (VCV001098602.13), dbSNP rs1203289728, ClinGen allele CA367669508.